The following is an entry in ClinVar:

ClinVar aggregate classification (germline): Uncertain significance. Review status: criteria provided, multiple submitters, no conflicts (2 of 4 stars). 2 submissions from 2 submitters: Uncertain significance (2). Last evaluated 2026-04-21.

Conditions:
Kleefstra syndrome 1 (KLEFS1). Identifiers: Orphanet 261494, MedGen C0795833, MONDO:0027407, OMIM 610253.

Submissions (2):

Women's Health and Genetics/Laboratory Corporation of America, LabCorp
Classification: Uncertain significance. Last evaluated: 2026-04-21. Review status: criteria provided, single submitter. Criteria: LabCorp Variant Classification Summary - May 2015. Collection method: clinical testing. Allele origin: germline.
Comment: Variant summary: EHMT1 c.36G>T (p.Arg12Ser) results in a non-conservative amino acid change in the encoded protein sequence. Algorithms developed to predict the effect of missense changes on protein structure and function are either unavailable or do not agree on the potential impact of this missense change. The variant allele was found at a frequency of 4.5e-06 in 220836 control chromosomes. The available data on variant occurrences in the general population are insufficient to allow any conclusion about variant significance. To our knowledge, no occurrence of c.36G>T in individuals affected with EHMT1-related conditions and no experimental evidence demonstrating its impact on protein function have been reported. ClinVar contains an entry for this variant (Variation ID: 2161947). Based on the evidence outlined above, the variant was classified as uncertain significance.

Labcorp Genetics (formerly Invitae), Labcorp
Classification: Uncertain significance for Kleefstra syndrome 1. Last evaluated: 2022-09-15. Review status: criteria provided, single submitter. Criteria: Invitae Variant Classification Sherloc (09022015). Collection method: clinical testing. Allele origin: germline.
Comment: This sequence change replaces arginine, which is basic and polar, with serine, which is neutral and polar, at codon 12 of the EHMT1 protein (p.Arg12Ser). This variant has not been reported in the literature in individuals affected with EHMT1-related conditions. The frequency data for this variant in the population databases is considered unreliable, as metrics indicate poor data quality at this position in the gnomAD database. In summary, the available evidence is currently insufficient to determine the role of this variant in disease. Therefore, it has been classified as a Variant of Uncertain Significance. Algorithms developed to predict the effect of missense changes on protein structure and function are either unavailable or do not agree on the potential impact of this missense change (SIFT: "Deleterious"; PolyPhen-2: "Benign"; Align-GVGD: "Class C0").

NM_024757.5(EHMT1):c.36G>T (p.Arg12Ser)

Gene: EHMT1 (euchromatic histone lysine methyltransferase 1; plus strand). Cytogenetic location: 9q34.3.
Variant type: single nucleotide variant.
Coding change: c.36G>T on transcript NM_024757.5 (MANE Select); coding-DNA position 36, G replaced by T.
Protein change: p.Arg12Ser; replaces arginine 12 with serine.
Molecular consequence: missense variant. On other transcripts: intron variant (2).
Genome position (GRCh38, 1-based): chr9:137,710,981, G>T. VCF-style: chr9-137710981-G-T. GRCh37 (hg19) VCF-style: chr9-140605433-G-T.
Other names: c.36G>T, p.Arg12Ser (NM_001145527.2, NM_001354263.2, NM_001354611.2); c.-8-5645G>T (NM_001354259.2, NM_001354612.2); short protein forms R12S.
Identifiers: ClinVar variation 2161947 (VCV002161947.5), dbSNP rs1025787561, ClinGen allele CA201796687.